The following is an entry in ClinVar:

NM_001351132.2(PEX5):c.1399_1400del (p.Leu467fs)

Gene: PEX5 (peroxisomal biogenesis factor 5; plus strand). Cytogenetic location: 12p13.31.
Variant type: Deletion.
Coding change: c.1399_1400del on transcript NM_001351132.2 (MANE Select); coding-DNA positions 1399 to 1400, 2 bases deleted (CT; older notation c.1399_1400delCT).
Protein change: p.Leu467fs; shifts the reading frame from leucine 467.
Molecular consequence: frameshift variant.
Genome position (GRCh38, 1-based): chr12:7,209,009-7,209,010, CT deleted. VCF-style (leftmost placement, unchanged base first): chr12-7209008-CCT-C. GRCh37 (hg19) VCF-style: chr12-7361604-CCT-C.
Other names: c.1375_1376del, p.Leu459fs (NM_000319.5); c.1444_1445del, p.Leu482fs (NM_001131023.2); c.1288_1289del, p.Leu430fs (NM_001131024.2, NM_001351124.3, NM_001351126.2 and 7 more transcripts); c.1399_1400del, p.Leu467fs (NM_001131025.2, NM_001131026.2, NM_001300789.3 and 4 more transcripts); c.1333_1334del, p.Leu445fs (NM_001351135.3, NM_001351138.2); c.1390_1391del, p.Leu464fs (NM_001351136.2); c.1264_1265del, p.Leu422fs (NM_001351139.2, NM_001351140.2, NM_001374649.2); short protein forms L422fs, L430fs, L445fs, L459fs, L464fs, L467fs, L482fs.
Identifiers: ClinVar variation 4810074 (VCV004810074.1).

ClinVar aggregate classification (germline): Pathogenic (1 of 4 stars; one submission).

Conditions:
Peroxisome biogenesis disorder 2B (PBD2B). Identifiers: Orphanet 44, MedGen C3550234, MONDO:0008736, OMIM 202370.

Submission:

Labcorp Genetics (formerly Invitae), Labcorp
Classification: Pathogenic for Peroxisome biogenesis disorder 2B. Last evaluated: 2025-09-15. Review status: criteria provided, single submitter. Criteria: Invitae Variant Classification Sherloc (09022015). Collection method: clinical testing. Allele origin: germline.
Comment: This sequence change creates a premature translational stop signal (p.Leu467Valfs*3) in the PEX5 gene. It is expected to result in an absent or disrupted protein product. Loss-of-function variants in PEX5 are known to be pathogenic (PMID: 18712838, 21031596). This variant is not present in population databases (gnomAD no frequency). This variant has not been reported in the literature in individuals affected with PEX5-related conditions. For these reasons, this variant has been classified as Pathogenic.

Literature cited by the submitters: PubMed 18712838; PubMed 21031596.